The following is an entry in ClinVar:

ClinVar aggregate classification (germline): Uncertain significance (1 of 4 stars; one submission).

gnomAD v4.1: 3 of 1,607,226 alleles (0.00019%); highest among the groups gnomAD compares: Admixed American, 0.0034%; no homozygotes.

Submission:

Labcorp Genetics (formerly Invitae), Labcorp
Classification: Uncertain significance. Last evaluated: 2025-07-03. Review status: criteria provided, single submitter. Criteria: Invitae Variant Classification Sherloc (09022015). Collection method: clinical testing. Allele origin: germline.
Comment: This sequence change replaces leucine, which is neutral and non-polar, with proline, which is neutral and non-polar, at codon 54 of the RASA2 protein (p.Leu54Pro). This variant is present in population databases (no rsID available, gnomAD 0.006%). This variant has not been reported in the literature in individuals affected with RASA2-related conditions. Invitae Evidence Modeling of protein sequence and biophysical properties (such as structural, functional, and spatial information, amino acid conservation, physicochemical variation, residue mobility, and thermodynamic stability) indicates that this missense variant is not expected to disrupt RASA2 protein function with a negative predictive value of 80%. In summary, the available evidence is currently insufficient to determine the role of this variant in disease. Therefore, it has been classified as a Variant of Uncertain Significance.

NM_006506.5(RASA2):c.161T>C (p.Leu54Pro)

Gene: RASA2 (RAS p21 protein activator 2; plus strand). Cytogenetic location: 3q23.
Variant type: single nucleotide variant.
Coding change: c.161T>C on transcript NM_006506.5 (MANE Select); coding-DNA position 161, T replaced by C.
Protein change: p.Leu54Pro; replaces leucine 54 with proline.
Molecular consequence: missense variant.
Genome position (GRCh38, 1-based): chr3:141,512,190, T>C. VCF-style: chr3-141512190-T-C. GRCh37 (hg19) VCF-style: chr3-141231032-T-C.
Other names: c.161T>C, p.Leu54Pro (NM_001303245.3, NM_001303246.3); short protein forms L54P.
Identifiers: ClinVar variation 4701779 (VCV004701779.1).